The following is an entry in ClinVar:

NM_001195263.2(PDZD7):c.2182del (p.Leu728fs)

Gene: PDZD7 (PDZ domain containing 7; minus strand). Cytogenetic location: 10q24.31.
Variant type: Deletion.
Coding change: c.2182del on transcript NM_001195263.2 (MANE Select); coding-DNA position 2182, one base deleted (C; older notation c.2182delC).
Protein change: p.Leu728fs; shifts the reading frame from leucine 728.
Molecular consequence: frameshift variant.
Genome position (GRCh38, 1-based): chr10:101,010,707, G deleted on the plus strand (C on the coding strand, the reverse complement: PDZD7 is on the minus strand); the first of 6 consecutive G bases (chr10:101,010,707-101,010,712); deleting any one gives the same sequence. VCF-style (leftmost placement, unchanged base first): chr10-101010706-AG-A. GRCh37 (hg19) VCF-style: chr10-102770463-AG-A.
Other names: short protein forms L728fs.
Identifiers: ClinVar variation 1451605 (VCV001451605.7), dbSNP rs1162586274, ClinGen allele CA595644117.

ClinVar aggregate classification (germline): Pathogenic/Likely pathogenic. Review status: criteria provided, multiple submitters, no conflicts (2 of 4 stars). 2 submissions from 2 submitters: Pathogenic (1); Likely pathogenic (1). Last evaluated 2024-02-24.

Conditions:
PDZD7-related disorder. Also called: PDZD7-related condition; PDZD7-related disorders.

Submissions (2):

Labcorp Genetics (formerly Invitae), Labcorp
Classification: Pathogenic. Last evaluated: 2024-02-24. Review status: criteria provided, single submitter. Criteria: Invitae Variant Classification Sherloc (09022015). Collection method: clinical testing. Allele origin: germline.
Comment: This sequence change creates a premature translational stop signal (p.Leu728Serfs*25) in the PDZD7 gene. It is expected to result in an absent or disrupted protein product. Loss-of-function variants in PDZD7 are known to be pathogenic (PMID: 20440071). The frequency data for this variant in the population databases is considered unreliable, as metrics indicate poor data quality at this position in the gnomAD database. This variant has not been reported in the literature in individuals affected with PDZD7-related conditions. ClinVar contains an entry for this variant (Variation ID: 1451605). For these reasons, this variant has been classified as Pathogenic.

Blueprint Genetics
Classification: Likely pathogenic for PDZD7-related disorders. Last evaluated: 2019-09-30. Review status: criteria provided, single submitter. Criteria: ACMG Guidelines, 2015. Collection method: clinical testing. Allele origin: germline. Affected: yes. Observed: 5 variant alleles.

Literature cited by the submitters: PubMed 20440071 (cited by Labcorp Genetics (formerly Invitae), Labcorp).